The following is an entry in ClinVar:

NM_020693.4(DSCAML1):c.5104G>A (p.Val1702Ile)

Gene: DSCAML1 (DS cell adhesion molecule like 1; minus strand). Cytogenetic location: 11q23.3.
Variant type: single nucleotide variant.
Coding change: c.5104G>A on transcript NM_020693.4 (MANE Select); coding-DNA position 5104, G replaced by A.
Protein change: p.Val1702Ile; replaces valine 1702 with isoleucine.
Molecular consequence: missense variant.
Genome position (GRCh38, 1-based): chr11:117,432,427, C>T on the plus strand (G>A on the coding strand, the complement: DSCAML1 is on the minus strand). VCF-style: chr11-117432427-C-T. GRCh37 (hg19) VCF-style: chr11-117303143-C-T.
Other names: short protein forms V1702I.
Identifiers: ClinVar variation 2060932 (VCV002060932.4), dbSNP rs147907435, ClinGen allele CA6296163.

ClinVar aggregate classification (germline): Uncertain significance (1 of 4 stars; one submission).

Allele frequency attached by ClinVar (database versions not stated): ESP Exome Variant Server 0.00008; TOPMed 0.00013; gnomAD 0.00021; ExAC 0.00025.
gnomAD v4.1: 145 of 1,614,010 alleles (0.009%); highest among the groups gnomAD compares: South Asian, 0.052%; 2 homozygotes.

Submission:

Labcorp Genetics (formerly Invitae), Labcorp
Classification: Uncertain significance. Last evaluated: 2025-12-03. Review status: criteria provided, single submitter. Criteria: Invitae Variant Classification Sherloc (09022015). Collection method: clinical testing. Allele origin: germline.
Comment: This sequence change replaces valine, which is neutral and non-polar, with isoleucine, which is neutral and non-polar, at codon 1762 of the DSCAML1 protein (p.Val1762Ile). This variant is present in population databases (rs147907435, gnomAD 0.07%), and has an allele count higher than expected for a pathogenic variant. This variant has not been reported in the literature in individuals affected with DSCAML1-related conditions. ClinVar contains an entry for this variant (Variation ID: 2060932). An algorithm developed to predict the effect of missense changes on protein structure and function (PolyPhen-2) suggests that this variant is likely to be disruptive. In summary, the available evidence is currently insufficient to determine the role of this variant in disease. Therefore, it has been classified as a Variant of Uncertain Significance.